The following is an entry in ClinVar:

ClinVar aggregate classification (germline): Uncertain significance (1 of 4 stars; one submission).

Conditions:
Hereditary cancer-predisposing syndrome. Also called: Neoplastic Syndromes, Hereditary; Tumor predisposition; Hereditary neoplastic syndrome; Hereditary Cancer Syndrome. Identifiers: Orphanet 140162, MedGen C0027672, MeSH D009386, MONDO:0015356.

Submission:

Ambry Genetics
Classification: Uncertain significance for Hereditary cancer-predisposing syndrome. Last evaluated: 2026-07-06. Review status: criteria provided, single submitter. Criteria: Ambry Variant Classification Scheme 2023. Collection method: clinical testing. Allele origin: germline.
Comment: The p.K432N variant (also known as c.1296G>T), located in coding exon 8 of the BRIP1 gene, results from a G to T substitution at nucleotide position 1296. The lysine at codon 432 is replaced by asparagine, an amino acid with similar properties. This amino acid position is conserved. In addition, this alteration is predicted to be tolerated by in silico analysis. Based on the available evidence, the clinical significance of this variant remains unclear.

NM_032043.3(BRIP1):c.1296G>T (p.Lys432Asn)

Gene: BRIP1 (BRCA1 interacting DNA helicase 1; minus strand). Cytogenetic location: 17q23.2.
Variant type: single nucleotide variant.
Coding change: c.1296G>T on transcript NM_032043.3 (MANE Select); coding-DNA position 1296, G replaced by T.
Protein change: p.Lys432Asn; replaces lysine 432 with asparagine.
Molecular consequence: missense variant.
Genome position (GRCh38, 1-based): chr17:61,799,144, C>A on the plus strand (G>T on the coding strand, the complement: BRIP1 is on the minus strand). VCF-style: chr17-61799144-C-A. GRCh37 (hg19) VCF-style: chr17-59876505-C-A.
Other names: short protein forms K432N.
Identifiers: ClinVar variation 5033402 (VCV005033402.1).